The following is an entry in ClinVar:

NM_138694.4(PKHD1):c.8643-2A>T

Gene: PKHD1 (PKHD1 ciliary IPT domain containing fibrocystin/polyductin; minus strand). Cytogenetic location: 6p12.3.
Variant type: single nucleotide variant.
Coding change: c.8643-2A>T on transcript NM_138694.4 (MANE Select); the canonical splice acceptor site of the intron before coding-DNA position 8643, A replaced by T.
Molecular consequence: splice acceptor variant.
Genome position (GRCh38, 1-based): chr6:51,754,940, T>A on the plus strand (A>T on the coding strand, the complement: PKHD1 is on the minus strand). VCF-style: chr6-51754940-T-A. GRCh37 (hg19) VCF-style: chr6-51619738-T-A.
Other names: c.8643-2A>T (NM_170724.3).
Identifiers: ClinVar variation 4816780 (VCV004816780.1).
Genomic context (GRCh38, chr6:51,754,940, plus strand): 5'-AGGAGCTAAGGACTATTTTGTCATGGGGGCGCCAATCCACTGCATCTTCTACTATAATTC[T>A]GTAACAGCATAACAATGGCATTGGATATACTAACAGTGCAGCACAAATCATCTATTAACT-3'

ClinVar aggregate classification (germline): Likely pathogenic (1 of 4 stars; one submission).

Conditions:
Autosomal recessive polycystic kidney disease (ARPKD). Also called: AR polycystic kidney disease. Identifiers: Orphanet 731, Orphanet 8378, MedGen C0085548, MeSH D017044, MONDO:0009889.

Submission:

Natera, Inc.
Classification: Likely pathogenic for Autosomal recessive polycystic kidney disease. Last evaluated: 2025-08-27. Review status: criteria provided, single submitter. Criteria: Natera Variant Classification Schema (03/2026). Collection method: clinical testing. Allele origin: germline.
Comment: The c.8643-2A>T variant in PKHD1 is a canonical splice acceptor site variant predicted to affect pre-mRNA splicing, which may result in an abnormal transcript and altered protein product. This variant is expected to result in nonsense mediated decay, truncation, or a dysfunctional protein product. This variant is rare in the general population with a frequency below the threshold expected for the associated phenotype(s). Given the available evidence, this variant is classified as Likely Pathogenic.